The following is an entry in ClinVar:

NM_024685.4(BBS10):c.1406A>T (p.Tyr469Phe)

Gene: BBS10 (Bardet-Biedl syndrome 10; minus strand). Cytogenetic location: 12q21.2.
Variant type: single nucleotide variant.
Coding change: c.1406A>T on transcript NM_024685.4 (MANE Select); coding-DNA position 1406, A replaced by T.
Protein change: p.Tyr469Phe; replaces tyrosine 469 with phenylalanine.
Molecular consequence: missense variant.
Genome position (GRCh38, 1-based): chr12:76,346,579, T>A on the plus strand (A>T on the coding strand, the complement: BBS10 is on the minus strand). VCF-style: chr12-76346579-T-A. GRCh37 (hg19) VCF-style: chr12-76740359-T-A.
Other names: short protein forms Y469F.
Identifiers: ClinVar variation 4996620 (VCV004996620.1).
Genomic context (GRCh38, chr12:76,346,579, plus strand): 5'-ACTTTTAAATATGTTTGAGTTTTTTCCAATGCATCTTTGTTCTCTGCAACTGTGTCCTGA[T>A]AAGGCCTTTGTATTGAGCCATTACCAGGATCTGGTGCTTGATAACTTTCTCCACTGTTCT-3'
Protein context (NP_078961.3, residues 459-479): DPGNGSIQRP[Tyr469Phe]QDTVAENKDA

ClinVar aggregate classification (germline): Uncertain significance (1 of 4 stars; one submission).

Conditions:
BBS10-related disorder. Also called: BBS10-related condition.

Submission:

PreventionGenetics, part of Exact Sciences
Classification: Uncertain significance for BBS10-related condition. Last evaluated: 2026-05-18. Review status: criteria provided, single submitter. Criteria: ACMG Guidelines, 2015. Collection method: clinical testing. Allele origin: germline.
Comment: The BBS10 c.1406A>T variant is predicted to result in the amino acid substitution p.Tyr469Phe. To our knowledge, this variant has not been reported in the literature or in a large population database (gnomAD), indicating this variant is rare. At this time, the clinical significance of this variant is uncertain due to the absence of conclusive functional and genetic evidence.